The following is an entry in ClinVar:

NM_003072.5(SMARCA4):c.4738G>C (p.Glu1580Gln)

Gene: SMARCA4 (SWI/SNF related BAF chromatin remodeling complex subunit ATPase 4; plus strand). Cytogenetic location: 19p13.2.
Variant type: single nucleotide variant.
Coding change: c.4738G>C on transcript NM_003072.5 (MANE Select); coding-DNA position 4738, G replaced by C.
Protein change: p.Glu1580Gln; replaces glutamic acid 1580 with glutamine.
Molecular consequence: missense variant. On other transcripts: non-coding transcript variant (1).
Genome position (GRCh38, 1-based): chr19:11,059,855, G>C. VCF-style: chr19-11059855-G-C. GRCh37 (hg19) VCF-style: chr19-11170531-G-C.
Other names: c.4738G>C, p.Glu1580Gln (NM_001128844.3); c.4648G>C, p.Glu1550Gln (NM_001128845.2); c.4645G>C, p.Glu1549Gln (NM_001128846.2); c.4639G>C, p.Glu1547Gln (NM_001128847.4, NM_001374457.1); c.4636G>C, p.Glu1546Gln (NM_001128848.2); c.4834G>C, p.Glu1612Gln (NM_001128849.3); c.4834G>C (NM_001128849.1); short protein forms E1546Q, E1547Q, E1549Q, E1550Q, E1580Q, E1612Q.
Identifiers: ClinVar variation 1026798 (VCV001026798.11), dbSNP rs1600644640, ClinGen allele CA404079701.

ClinVar aggregate classification (germline): Uncertain significance. Review status: criteria provided, multiple submitters, no conflicts (2 of 4 stars). 2 submissions from 2 submitters: Uncertain significance (2). Last evaluated 2025-10-10.

Conditions:
Hereditary cancer-predisposing syndrome. Also called: Neoplastic Syndromes, Hereditary; Tumor predisposition; Hereditary Cancer Syndrome; Hereditary neoplastic syndrome. Identifiers: Orphanet 140162, MedGen C0027672, MeSH D009386, MONDO:0015356.
Rhabdoid tumor predisposition syndrome 2 (RTPS2). Identifiers: Orphanet 231108, Orphanet 69077, MedGen C2750074, MONDO:0013224, OMIM 613325.

Allele frequency attached by ClinVar (database versions not stated): gnomAD 0.00001.
gnomAD v4.1: 2 of 1,613,866 alleles (0.00012%); highest among the groups gnomAD compares: African/African-American, 0.0013%; no homozygotes.

Submissions (2):

Ambry Genetics
Classification: Uncertain significance for Hereditary cancer-predisposing syndrome. Last evaluated: 2025-10-10. Review status: criteria provided, single submitter. Criteria: Ambry Variant Classification Scheme 2023. Collection method: clinical testing. Allele origin: germline.
Comment: The p.E1612Q variant (also known as c.4834G>C), located in coding exon 33 of the SMARCA4 gene, results from a G to C substitution at nucleotide position 4834. The glutamic acid at codon 1612 is replaced by glutamine, an amino acid with highly similar properties. This amino acid position is not well conserved in available vertebrate species. In addition, this alteration is predicted to be tolerated by in silico analysis. Missense and in-frame variants in SMARCA4 are known to cause neurodevelopmental disorders; however, such associations with rhabdoid tumor predisposition syndrome including small cell carcinoma of the ovary-hypercalcemic type (SCCOHT) are exceedingly rare (Kosho T et al. Am J Med Genet C Semin Med Genet. 2014 Sep;166C(3):262-75; Jelinic P et al. Nat Genet. 2014 May;46(5):424-6). Based on the supporting evidence, the association of this alteration with Coffin-Siris syndrome is unknown; however, the association of this alteration with rhabdoid tumor predisposition syndrome is unlikely.

Labcorp Genetics (formerly Invitae), Labcorp
Classification: Uncertain significance for Rhabdoid tumor predisposition syndrome 2. Last evaluated: 2020-05-04. Review status: criteria provided, single submitter. Criteria: Invitae Variant Classification Sherloc (09022015). Collection method: clinical testing. Allele origin: germline.
Comment: In summary, the available evidence is currently insufficient to determine the role of this variant in disease. Therefore, it has been classified as a Variant of Uncertain Significance. Algorithms developed to predict the effect of missense changes on protein structure and function (SIFT, PolyPhen-2, Align-GVGD) all suggest that this variant is likely to be tolerated, but these predictions have not been confirmed by published functional studies and their clinical significance is uncertain. This variant has not been reported in the literature in individuals with SMARCA4-related conditions. This variant is not present in population databases (ExAC no frequency). This sequence change replaces glutamic acid with glutamine at codon 1612 of the SMARCA4 protein (p.Glu1612Gln). The glutamic acid residue is moderately conserved and there is a small physicochemical difference between glutamic acid and glutamine.